The following is an entry in ClinVar:

ClinVar aggregate classification (germline): Uncertain significance (1 of 4 stars; one submission).

Conditions:
Congenital contractural arachnodactyly (CCA). Also called: BEALS SYNDROME; Beals-Hecht syndrome; Arthrogryposis, distal, type 9. Identifiers: Orphanet 115, MedGen C0220668, MONDO:0007363, OMIM 121050.

Allele frequency attached by ClinVar (database versions not stated): gnomAD exomes below 0.00001.
gnomAD v4.1: 1 of 1,612,994 alleles (0.000062%); highest among the groups gnomAD compares: Non-Finnish European, 0.000085%; no homozygotes.

Submission:

Labcorp Genetics (formerly Invitae), Labcorp
Classification: Uncertain significance for Congenital contractural arachnodactyly. Last evaluated: 2022-11-03. Review status: criteria provided, single submitter. Criteria: Invitae Variant Classification Sherloc (09022015). Collection method: clinical testing. Allele origin: germline.
Comment: In summary, the available evidence is currently insufficient to determine the role of this variant in disease. Therefore, it has been classified as a Variant of Uncertain Significance. Algorithms developed to predict the effect of sequence changes on RNA splicing suggest that this variant may disrupt the consensus splice site. This variant has not been reported in the literature in individuals affected with FBN2-related conditions. This variant is not present in population databases (gnomAD no frequency). This sequence change affects an acceptor splice site in intron 11 of the FBN2 gene. It is expected to disrupt RNA splicing. Variants that disrupt the donor or acceptor splice site typically lead to a loss of protein function (PMID: 16199547), however the current clinical and genetic evidence is not sufficient to establish whether loss-of-function variants in FBN2 cause disease.

Literature cited by the submitters: PubMed 16199547.

NM_001999.4(FBN2):c.1604-1G>A

Gene: FBN2 (fibrillin 2; minus strand). Cytogenetic location: 5q23.3.
Variant type: single nucleotide variant.
Coding change: c.1604-1G>A on transcript NM_001999.4 (MANE Select); the canonical splice acceptor site of the intron before coding-DNA position 1604, G replaced by A.
Molecular consequence: splice acceptor variant.
Genome position (GRCh38, 1-based): chr5:128,378,891, C>T on the plus strand (G>A on the coding strand, the complement: FBN2 is on the minus strand). VCF-style: chr5-128378891-C-T. GRCh37 (hg19) VCF-style: chr5-127714584-C-T.
Identifiers: ClinVar variation 2079059 (VCV002079059.4), dbSNP rs2479391241, ClinGen allele CA360744133.